The following is an entry in ClinVar:

ClinVar aggregate classification (germline): Uncertain significance (1 of 4 stars; one submission).

Conditions:
Anauxetic dysplasia. Identifiers: Orphanet 93347, MedGen C1846796, MONDO:0011773.

Allele frequency attached by ClinVar (database versions not stated): TOPMed below 0.00001; gnomAD 0.00001.
gnomAD v4.1: 11 of 696,718 alleles (0.0016%); highest among the groups gnomAD compares: Non-Finnish European, 0.0023%; no homozygotes.

Submission:

Labcorp Genetics (formerly Invitae), Labcorp
Classification: Uncertain significance for Anauxetic dysplasia. Last evaluated: 2024-04-08. Review status: criteria provided, single submitter. Criteria: Invitae Variant Classification Sherloc (09022015). Collection method: clinical testing. Allele origin: germline.
Comment: This variant occurs in the RMRP gene, which encodes an RNA molecule that does not result in a protein product. This variant is present in population databases (no rsID available, gnomAD 0.01%). This variant has been observed in individual(s) with clinical features of cartilage-hair hypoplasia (PMID: 12107819, 16244706). This variant is also known as g.126C>T. ClinVar contains an entry for this variant (Variation ID: 2136769). Experimental studies and prediction algorithms are not available or were not evaluated, and the functional significance of this variant is currently unknown. In summary, the available evidence is currently insufficient to determine the role of this variant in disease. Therefore, it has been classified as a Variant of Uncertain Significance.

Literature cited by the submitters: PubMed 12107819; PubMed 16244706.

NC_000009.12:g.35657892G>A

Gene: RMRP (RNA component of mitochondrial RNA processing endoribonuclease; minus strand). Cytogenetic location: 9p13.3.
Variant type: single nucleotide variant.
Genome position: GRCh38 VCF-style: chr9-35657892-G-A. GRCh37 (hg19) VCF-style: chr9-35657889-G-A.
Identifiers: ClinVar variation 2136769 (VCV002136769.4), dbSNP rs1049483652, ClinGen allele CA464450745.